The following is an entry in ClinVar:

ClinVar aggregate classification (germline): Uncertain significance (1 of 4 stars; one submission).

Submission:

Labcorp Genetics (formerly Invitae), Labcorp
Classification: Uncertain significance. Last evaluated: 2022-03-27. Review status: criteria provided, single submitter. Criteria: Invitae Variant Classification Sherloc (09022015). Collection method: clinical testing. Allele origin: germline.
Comment: In summary, the available evidence is currently insufficient to determine the role of this variant in disease. Therefore, it has been classified as a Variant of Uncertain Significance. Algorithms developed to predict the effect of missense changes on protein structure and function are either unavailable or do not agree on the potential impact of this missense change (SIFT: "Deleterious"; PolyPhen-2: "Benign"; Align-GVGD: "Class C35"). This variant has not been reported in the literature in individuals affected with WDR11-related conditions. This variant is not present in population databases (gnomAD no frequency). This sequence change replaces proline, which is neutral and non-polar, with leucine, which is neutral and non-polar, at codon 905 of the WDR11 protein (p.Pro905Leu).

NM_018117.12(WDR11):c.2714C>T (p.Pro905Leu)

Gene: WDR11 (WD repeat domain 11; plus strand). Cytogenetic location: 10q26.12.
Variant type: single nucleotide variant.
Coding change: c.2714C>T on transcript NM_018117.12 (MANE Select); coding-DNA position 2714, C replaced by T.
Protein change: p.Pro905Leu; replaces proline 905 with leucine.
Molecular consequence: missense variant.
Genome position (GRCh38, 1-based): chr10:120,902,283, C>T. VCF-style: chr10-120902283-C-T. GRCh37 (hg19) VCF-style: chr10-122661795-C-T.
Other names: short protein forms P905L.
Identifiers: ClinVar variation 2117993 (VCV002117993.4), dbSNP rs2493376849, ClinGen allele CA378312737.